The following is an entry in ClinVar:

NM_000245.4(MET):c.37G>C (p.Val13Leu)

Gene: MET (MET proto-oncogene, receptor tyrosine kinase; plus strand). Cytogenetic location: 7q31.2.
Variant type: single nucleotide variant.
Coding change: c.37G>C on transcript NM_000245.4 (MANE Select); coding-DNA position 37, G replaced by C.
Protein change: p.Val13Leu; replaces valine 13 with leucine.
Molecular consequence: missense variant. On other transcripts: intron variant (1).
Genome position (GRCh38, 1-based): chr7:116,699,121, G>C. VCF-style: chr7-116699121-G-C. GRCh37 (hg19) VCF-style: chr7-116339175-G-C.
Other names: c.37G>C, p.Val13Leu (NM_001127500.3, NM_001324401.3); c.-91+26544G>C (NM_001324402.2); short protein forms V13L.
Identifiers: ClinVar variation 2907157 (VCV002907157.3), dbSNP rs781777052, ClinGen allele CA368968207.

ClinVar aggregate classification (germline): Uncertain significance (1 of 4 stars; one submission).

Conditions:
Renal cell carcinoma. Identifiers: Orphanet 217071, MedGen C0007134, MeSH D002292, MONDO:0005086, HP:0005584.

Submission:

Labcorp Genetics (formerly Invitae), Labcorp
Classification: Uncertain significance for Renal cell carcinoma. Last evaluated: 2023-05-23. Review status: criteria provided, single submitter. Criteria: Invitae Variant Classification Sherloc (09022015). Collection method: clinical testing. Allele origin: germline.
Comment: In summary, the available evidence is currently insufficient to determine the role of this variant in disease. Therefore, it has been classified as a Variant of Uncertain Significance. Advanced modeling of protein sequence and biophysical properties (such as structural, functional, and spatial information, amino acid conservation, physicochemical variation, residue mobility, and thermodynamic stability) performed at Invitae indicates that this missense variant is not expected to disrupt MET protein function. This variant has not been reported in the literature in individuals affected with MET-related conditions. This variant is not present in population databases (gnomAD no frequency). This sequence change replaces valine, which is neutral and non-polar, with leucine, which is neutral and non-polar, at codon 13 of the MET protein (p.Val13Leu).